The following is an entry in ClinVar:

NM_058216.3(RAD51C):c.244C>A (p.His82Asn)

Gene: RAD51C (RAD51 paralog C; plus strand). Cytogenetic location: 17q22.
Variant type: single nucleotide variant.
Coding change: c.244C>A on transcript NM_058216.3 (MANE Select); coding-DNA position 244, C replaced by A.
Protein change: p.His82Asn; replaces histidine 82 with asparagine.
Molecular consequence: missense variant. On other transcripts: non-coding transcript variant (2).
Genome position (GRCh38, 1-based): chr17:58,695,029, C>A. VCF-style: chr17-58695029-C-A. GRCh37 (hg19) VCF-style: chr17-56772390-C-A.
Other names: c.244C>A, p.His82Asn (NM_002876.4); short protein forms H82N.
Identifiers: ClinVar variation 3665555 (VCV003665555.3).

ClinVar aggregate classification (germline): Conflicting classifications of pathogenicity. Review status: criteria provided, conflicting classifications (1 of 4 stars). 2 submissions from 2 submitters: Uncertain significance (1); Likely benign (1). Last evaluated 2026-05-20.

Conditions:
Hereditary cancer-predisposing syndrome. Also called: Hereditary neoplastic syndrome; Tumor predisposition; Hereditary Cancer Syndrome; Neoplastic Syndromes, Hereditary. Identifiers: Orphanet 140162, MedGen C0027672, MeSH D009386, MONDO:0015356.
Fanconi anemia complementation group O. Also called: RAD51C-Related Fanconi Anemia. Identifiers: Orphanet 84, MedGen C3150653, MONDO:0013248, OMIM 613390.

Submissions (2):

Ambry Genetics
Classification: Likely benign for Hereditary cancer-predisposing syndrome. Last evaluated: 2026-05-20. Review status: criteria provided, single submitter. Criteria: Ambry Variant Classification Scheme 2023. Collection method: clinical testing. Allele origin: germline.

Labcorp Genetics (formerly Invitae), Labcorp
Classification: Uncertain significance for Fanconi anemia complementation group O. Last evaluated: 2024-12-10. Review status: criteria provided, single submitter. Criteria: Invitae Variant Classification Sherloc (09022015). Collection method: clinical testing. Allele origin: germline.
Comment: This sequence change replaces histidine, which is basic and polar, with asparagine, which is neutral and polar, at codon 82 of the RAD51C protein (p.His82Asn). This variant is not present in population databases (gnomAD no frequency). This missense change has been observed in individual(s) with RAD51C-related conditions (PMID: 26261251). Invitae Evidence Modeling of protein sequence and biophysical properties (such as structural, functional, and spatial information, amino acid conservation, physicochemical variation, residue mobility, and thermodynamic stability) indicates that this missense variant is not expected to disrupt RAD51C protein function with a negative predictive value of 80%. In summary, the available evidence is currently insufficient to determine the role of this variant in disease. Therefore, it has been classified as a Variant of Uncertain Significance.

Literature cited by the submitters: PubMed 26261251 (cited by Labcorp Genetics (formerly Invitae), Labcorp).